The following is an entry in ClinVar:

ClinVar aggregate classification (germline): Benign. Review status: criteria provided, multiple submitters, no conflicts (2 of 4 stars). 2 submissions from 2 submitters: Benign (2). Last evaluated 2018-01-13.

Conditions:
Pulmonary hypertension, primary, 1 (PPH1). Also called: Pulmonary hypertension, familial primary, 1, with or without HHT. Identifiers: Orphanet 422, MedGen C4552070, MONDO:0024533, OMIM 178600.

Allele frequency attached by ClinVar (database versions not stated): 1000 Genomes Project 0.00439; 1000 Genomes Project 30x 0.00422; TOPMed 0.00721; gnomAD 0.00910 and 0.00865.

Submissions (2):

Illumina Laboratory Services, Illumina
Classification: Benign for Pulmonary hypertension, primary, 1. Last evaluated: 2018-01-13. Review status: criteria provided, single submitter. Criteria: ICSL Variant Classification Criteria 13 December 2019. Collection method: clinical testing. Allele origin: germline.
Comment: This variant was observed in the ICSL laboratory as part of a predisposition screen in an ostensibly healthy population. It had not been previously curated by ICSL or reported in the Human Gene Mutation Database (HGMD: prior to June 1st, 2018), and was therefore a candidate for classification through an automated scoring system. Utilizing variant allele frequency, disease prevalence and penetrance estimates, and inheritance mode, an automated score was calculated to assess if this variant is too frequent to cause the disease. Based on the score and internal cut-off values, a variant classified as benign is not then subjected to further curation. The score for this variant resulted in a classification of benign for this disease.

Breakthrough Genomics
Classification: Benign. Review status: criteria provided, single submitter. Criteria: ACMG Guidelines, 2015. Collection method: not provided. Allele origin: germline. Inheritance: Autosomal dominant inheritance. Affected: yes.

NM_001204.7(BMPR2):c.*1732T>C

Gene: BMPR2 (bone morphogenetic protein receptor type 2; plus strand). Cytogenetic location: 2q33.2.
Variant type: single nucleotide variant.
Coding change: c.*1732T>C on transcript NM_001204.7 (MANE Select); 1732 bases downstream of the stop codon, T replaced by C.
Molecular consequence: 3 prime UTR variant.
Genome position (GRCh38, 1-based): chr2:202,561,678, T>C. VCF-style: chr2-202561678-T-C. GRCh37 (hg19) VCF-style: chr2-203426401-T-C.
Other names: c.*1732T>C (LRG_712t1).
Identifiers: ClinVar variation 333673 (VCV000333673.6), dbSNP rs115467510, ClinGen allele CA10612063.